The following is an entry in ClinVar:

NM_032119.4(ADGRV1):c.3827del (p.Gly1276fs)

Gene: ADGRV1 (adhesion G protein-coupled receptor V1; plus strand). Cytogenetic location: 5q14.3.
Variant type: Deletion.
Coding change: c.3827del on transcript NM_032119.4 (MANE Select); coding-DNA position 3827, one base deleted (G; older notation c.3827delG).
Protein change: p.Gly1276fs; shifts the reading frame from glycine 1276.
Molecular consequence: frameshift variant. On other transcripts: non-coding transcript variant (1).
Genome position (GRCh38, 1-based): chr5:90,653,401, G deleted; the last of 3 consecutive G bases (chr5:90,653,399-90,653,401); deleting any one gives the same sequence. VCF-style (leftmost placement, unchanged base first): chr5-90653398-AG-A. GRCh37 (hg19) VCF-style: chr5-89949215-AG-A.
Other names: c.3827delG (NM_032119.4); short protein forms G1276fs.
Identifiers: ClinVar variation 4849394 (VCV004849394.1).
Genomic context (GRCh38, chr5:90,653,398, plus strand): 5'-AAGATGTCCTGTCTGAAGATGATATGTCTTATATTACCAACTTCACCATTTTGAGGCAGC[AG>A]GGTGTGTTTGGTGATGTACAACTGGGCTGGGAAATACTGTCCAGTGAGTTCCCTGCTGGT-3'

ClinVar aggregate classification (germline): Pathogenic (1 of 4 stars; one submission).

Conditions:
Usher syndrome type 2C. Also called: Usher syndrome, type 2B; USHER SYNDROME, TYPE IIC. Identifiers: Orphanet 231178, Orphanet 886, MedGen C2931213, MONDO:0011558, OMIM 605472.

Submission:

First Genomix Gene Laboratory, Genetic Diagnostics Department
Classification: Pathogenic for Usher syndrome type 2C. Last evaluated: 2025-06-17. Review status: criteria provided, single submitter. Criteria: ACMG Guidelines, 2015. Collection method: clinical testing. Allele origin: germline. Inheritance: Autosomal recessive inheritance. Affected: yes. Observed: 1 variant allele, 1 homozygote.